The following is an entry in ClinVar:

ClinVar aggregate classification (germline): Uncertain significance. Review status: criteria provided, multiple submitters, no conflicts (2 of 4 stars). 3 submissions from 3 submitters: Uncertain significance (3). Last evaluated 2025-12-06.

Conditions:
Inborn genetic diseases. Identifiers: MedGen C0950123, MeSH D030342.
Pulmonary fibrosis and/or bone marrow failure, Telomere-related, 3. Also called: PULMONARY FIBROSIS AND/OR BONE MARROW FAILURE SYNDROME, TELOMERE-RELATED, 3. Identifiers: Orphanet 2032, MedGen C4225346, MONDO:0014613, OMIM 616373.
Dyskeratosis congenita, autosomal recessive 5 (DKCB5). Identifiers: MedGen C3554656, MONDO:0014076, OMIM 615190.

Allele frequency attached by ClinVar (database versions not stated): gnomAD exomes 0.00008; gnomAD 0.00010; ExAC 0.00013; 1000 Genomes Project 0.00100; TOPMed 0.00002; 1000 Genomes Project 30x 0.00078.
gnomAD v4.1: 130 of 1,613,988 alleles (0.0081%); highest among the groups gnomAD compares: South Asian, 0.14%; 2 homozygotes.

Submissions (3):

Labcorp Genetics (formerly Invitae), Labcorp
Classification: Uncertain significance for Dyskeratosis congenita, autosomal recessive 5; Pulmonary fibrosis and/or bone marrow failure, Telomere-related, 3. Last evaluated: 2025-12-06. Review status: criteria provided, single submitter. Criteria: Invitae Variant Classification Sherloc (09022015). Collection method: clinical testing. Allele origin: germline.
Comment: This sequence change replaces valine, which is neutral and non-polar, with methionine, which is neutral and non-polar, at codon 167 of the RTEL1 protein (p.Val167Met). This variant is present in population databases (rs578196292, gnomAD 0.1%). This variant has not been reported in the literature in individuals affected with RTEL1-related conditions. ClinVar contains an entry for this variant (Variation ID: 2144912). An algorithm developed to predict the effect of missense changes on protein structure and function (PolyPhen-2) suggests that this variant is likely to be disruptive. In summary, the available evidence is currently insufficient to determine the role of this variant in disease. Therefore, it has been classified as a Variant of Uncertain Significance.

Ambry Genetics
Classification: Uncertain significance for Inborn genetic diseases. Last evaluated: 2024-12-02. Review status: criteria provided, single submitter. Criteria: Ambry Variant Classification Scheme 2023. Collection method: clinical testing. Allele origin: germline.
Comment: The p.V167M variant (also known as c.499G>A), located in coding exon 5 of the RTEL1 gene, results from a G to A substitution at nucleotide position 499. The valine at codon 167 is replaced by methionine, an amino acid with highly similar properties. This amino acid position is conserved. In addition, the in silico prediction for this alteration is inconclusive. Based on the available evidence, the clinical significance of this variant remains unclear.

GeneDx
Classification: Uncertain significance. Last evaluated: 2022-12-08. Review status: criteria provided, single submitter. Criteria: GeneDx Variant Classification Process June 2021. Collection method: clinical testing. Allele origin: germline. Affected: yes.
Comment: In silico analysis supports that this missense variant has a deleterious effect on protein structure/function; Has not been previously published as pathogenic or benign to our knowledge

NM_001283009.2(RTEL1):c.499G>A (p.Val167Met)

Genes: RTEL1 (regulator of telomere elongation helicase 1; plus strand), RTEL1-TNFRSF6B (RTEL1-TNFRSF6B readthrough (NMD candidate); plus strand). Cytogenetic location: 20q13.33.
Variant type: single nucleotide variant.
Coding change: c.499G>A on transcript NM_001283009.2 (MANE Select); coding-DNA position 499, G replaced by A.
Protein change: p.Val167Met; replaces valine 167 with methionine.
Molecular consequence: missense variant. On other transcripts: non-coding transcript variant (1), 5 prime UTR variant (1).
Genome position (GRCh38, 1-based): chr20:63,662,850, G>A. VCF-style: chr20-63662850-G-A. GRCh37 (hg19) VCF-style: chr20-62294203-G-A.
Other names: c.571G>A (NM_032957.4); c.-171G>A (NM_001283010.1); c.499G>A, p.Val167Met (NM_016434.4); c.571G>A, p.Val191Met (NM_032957.5); short protein forms V167M, V191M.
Identifiers: ClinVar variation 2144912 (VCV002144912.5), dbSNP rs578196292, ClinGen allele CA9964303.
Genomic context (GRCh38, chr20:63,662,850, plus strand): 5'-GCCGTGCTTCAGCTGCGCACTCTGCCCTTCCTCCCACAGATCCACTTGTGCCGTAAGAAG[G>A]TGGCAAGTCGCTCCTGTCATTTCTACAACAACGTAGAAGGTACAAGCAGCTGGGTGGGAC-3'
Protein context (NP_001269938.1, residues 157-177): HLQIHLCRKK[Val167Met]ASRSCHFYNN